The following is an entry in ClinVar:

NM_000152.5(GAA):c.955+5G>A

Gene: GAA (alpha glucosidase; plus strand). Cytogenetic location: 17q25.3.
Variant type: single nucleotide variant.
Coding change: c.955+5G>A on transcript NM_000152.5 (MANE Select); 5 bases into the intron after coding-DNA position 955, G replaced by A.
Molecular consequence: intron variant.
Genome position (GRCh38, 1-based): chr17:80,107,901, G>A. VCF-style: chr17-80107901-G-A. GRCh37 (hg19) VCF-style: chr17-78081700-G-A.
Other names: c.955+5G>A (NM_001079803.3, NM_001079804.3).
Identifiers: ClinVar variation 1007457 (VCV001007457.7), dbSNP rs759508507, ClinGen allele CA8815094.

ClinVar aggregate classification (germline): Uncertain significance. Review status: criteria provided, multiple submitters, no conflicts (2 of 4 stars). 2 submissions from 2 submitters: Uncertain significance (2). Last evaluated 2022-04-13.

Conditions:
Glycogen storage disease, type II (IOPD). Also called: Glycogen storage disease type 2; Acid maltase deficiency disease; Aglucosidase alfa; Deficiency of alpha-glucosidase; Deficiency of lysosomal alpha-glucosidase; Pompe Disease. Identifiers: Orphanet 365, MedGen C0017921, MONDO:0009290, OMIM 232300.

Submissions (2):

Blueprint Genetics
Classification: Uncertain significance. Last evaluated: 2022-04-13. Review status: criteria provided, single submitter. Criteria: ACMG Guidelines, 2015. Collection method: clinical testing. Allele origin: germline.

Labcorp Genetics (formerly Invitae), Labcorp
Classification: Uncertain significance for Glycogen storage disease, type II. Last evaluated: 2021-05-03. Review status: criteria provided, single submitter. Criteria: Invitae Variant Classification Sherloc (09022015). Collection method: clinical testing. Allele origin: germline.
Comment: This sequence change falls in intron 5 of the GAA gene. It does not directly change the encoded amino acid sequence of the GAA protein, but it affects a nucleotide within the consensus splice site of the intron. This variant is present in population databases (rs759508507, ExAC 0.006%). This variant has not been reported in the literature in individuals with GAA-related conditions. Nucleotide substitutions within the consensus splice site are a relatively common cause of aberrant splicing (PMID: 17576681, 9536098). Algorithms developed to predict the effect of sequence changes on RNA splicing suggest that this variant may disrupt the consensus splice site, but this prediction has not been confirmed by published transcriptional studies. In summary, the available evidence is currently insufficient to determine the role of this variant in disease. Therefore, it has been classified as a Variant of Uncertain Significance.

Literature cited by the submitters: PubMed 17576681 (cited by Labcorp Genetics (formerly Invitae), Labcorp); PubMed 9536098 (cited by Labcorp Genetics (formerly Invitae), Labcorp).